The following is an entry in ClinVar:

ClinVar aggregate classification (germline): Likely benign (1 of 4 stars; one submission).

gnomAD v4.1: 12,122 of 1,549,980 alleles (0.78%); highest among the groups gnomAD compares: Non-Finnish European, 0.96%; 69 homozygotes.

Submission:

CeGaT Center for Human Genetics Tuebingen
Classification: Likely benign. Last evaluated: 2024-02-01. Review status: criteria provided, single submitter. Criteria: CeGaT Center For Human Genetics Tuebingen Variant Classification Criteria Version 2. Collection method: clinical testing. Allele origin: germline. Affected: yes. Observed: 1 variant allele.
Comment: PGGHG: BP4, BP7, BS2

NM_025092.5(PGGHG):c.336C>T (p.His112=)

Gene: PGGHG (protein-glucosylgalactosylhydroxylysine glucosidase; plus strand). Cytogenetic location: 11p15.5.
Variant type: single nucleotide variant.
Coding change: c.336C>T on transcript NM_025092.5 (MANE Select); coding-DNA position 336, C replaced by T.
Protein change: p.His112=; no amino-acid change (histidine 112 retained).
Molecular consequence: synonymous variant.
Genome position (GRCh38, 1-based): chr11:290,466, C>T. VCF-style: chr11-290466-C-T. GRCh37 (hg19) VCF-style: chr11-290466-C-T.
Identifiers: ClinVar variation 3341584 (VCV003341584.16).